The following is an entry in ClinVar:

NM_014028.4(OSTM1):c.77C>G (p.Ser26Trp)

Genes: OSTM1 (osteoclastogenesis associated transmembrane protein 1; minus strand), LOC129996933 (ATAC-STARR-seq lymphoblastoid silent region 17446; plus strand). Cytogenetic location: 6q21.
Variant type: single nucleotide variant.
Coding change: c.77C>G on transcript NM_014028.4 (MANE Select); coding-DNA position 77, C replaced by G.
Protein change: p.Ser26Trp; replaces serine 26 with tryptophan.
Molecular consequence: missense variant.
Genome position (GRCh38, 1-based): chr6:108,074,575, G>C on the plus strand (C>G on the coding strand, the complement: OSTM1 is on the minus strand). VCF-style: chr6-108074575-G-C. GRCh37 (hg19) VCF-style: chr6-108395779-G-C.
Other names: c.77C>G (NM_014028.3); short protein forms S26W.
Identifiers: ClinVar variation 1719159 (VCV001719159.7), dbSNP rs2482243117, ClinGen allele CA365331411.
Genomic context (GRCh38, chr6:108,074,575, plus strand): 5'-AGGTCGTGGAAGACCCTGTGCGGACTGCTGCCGAAGGGGAGCGCGCCCAGGGCCAGCCCC[G>C]ACCACAGCAGCAGCCCCAGCGGCAGCCACGGCGGCAACGAACACCTCCGCTGCGCGGCTG-3'
Protein context (NP_054747.2, residues 16-36): PWLPLGLLLW[Ser26Trp]GLALGALPFG

ClinVar aggregate classification (germline): Uncertain significance. Review status: criteria provided, multiple submitters, no conflicts (2 of 4 stars). 2 submissions from 2 submitters: Uncertain significance (2). Last evaluated 2025-08-06.

Conditions:
Inborn genetic diseases. Identifiers: MedGen C0950123, MeSH D030342.

Submissions (2):

Ambry Genetics
Classification: Uncertain significance for Inborn genetic diseases. Last evaluated: 2025-08-06. Review status: criteria provided, single submitter. Criteria: Ambry Variant Classification Scheme 2023. Collection method: clinical testing. Allele origin: germline.

Labcorp Genetics (formerly Invitae), Labcorp
Classification: Uncertain significance. Last evaluated: 2022-07-19. Review status: criteria provided, single submitter. Criteria: Invitae Variant Classification Sherloc (09022015). Collection method: clinical testing. Allele origin: germline.
Comment: In summary, the available evidence is currently insufficient to determine the role of this variant in disease. Therefore, it has been classified as a Variant of Uncertain Significance. Algorithms developed to predict the effect of missense changes on protein structure and function output the following: SIFT: "Tolerated"; PolyPhen-2: "Benign"; Align-GVGD: "Class C0". The tryptophan amino acid residue is found in multiple mammalian species, which suggests that this missense change does not adversely affect protein function. This variant has not been reported in the literature in individuals affected with OSTM1-related conditions. This variant is not present in population databases (gnomAD no frequency). This sequence change replaces serine, which is neutral and polar, with tryptophan, which is neutral and slightly polar, at codon 26 of the OSTM1 protein (p.Ser26Trp).